The following is an entry in ClinVar:

ClinVar aggregate classification (germline): Likely pathogenic (1 of 4 stars; one submission).

Conditions:
Retinitis pigmentosa 28 (RP28). Identifiers: Orphanet 791, MedGen C1419614, MONDO:0011630, OMIM 606068.

gnomAD v4.1: 2 of 1,614,014 alleles (0.00012%); highest among the groups gnomAD compares: Non-Finnish European, 0.00017%; no homozygotes.

Submission:

Natera, Inc.
Classification: Likely pathogenic for Retinitis pigmentosa type 28. Last evaluated: 2025-03-10. Review status: criteria provided, single submitter. Criteria: Natera Variant Classification Schema (03/2026). Collection method: clinical testing. Allele origin: germline.
Comment: The c.696G>A variant in FAM161A is a nonsense variant predicted to introduce a stop codon at amino acid 232. This variant is expected to result in nonsense mediated decay, truncation, or a dysfunctional protein product. This variant is rare in the general population with a frequency below the threshold expected for the associated phenotype(s). Given the available evidence, this variant is classified as Likely Pathogenic.

NM_001201543.2(FAM161A):c.696G>A (p.Trp232Ter)

Gene: FAM161A (FAM161 centrosomal protein A; minus strand). Cytogenetic location: 2p15.
Variant type: single nucleotide variant.
Coding change: c.696G>A on transcript NM_001201543.2 (MANE Select); coding-DNA position 696, G replaced by A.
Protein change: p.Trp232Ter; replaces tryptophan 232 with a stop codon.
Molecular consequence: nonsense. On other transcripts: non-coding transcript variant (1).
Genome position (GRCh38, 1-based): chr2:61,840,308, C>T on the plus strand (G>A on the coding strand, the complement: FAM161A is on the minus strand). VCF-style: chr2-61840308-C-T. GRCh37 (hg19) VCF-style: chr2-62067443-C-T.
Other names: c.696G>A, p.Trp232Ter (NM_032180.3); short protein forms W232*.
Identifiers: ClinVar variation 4814694 (VCV004814694.1).